The following is an entry in ClinVar:

NM_000046.5(ARSB):c.1314G>A (p.Trp438Ter)

Gene: ARSB (arylsulfatase B; minus strand). Cytogenetic location: 5q14.1.
Variant type: single nucleotide variant.
Coding change: c.1314G>A on transcript NM_000046.5 (MANE Select); coding-DNA position 1314, G replaced by A.
Protein change: p.Trp438Ter; replaces tryptophan 438 with a stop codon.
Molecular consequence: nonsense.
Genome position (GRCh38, 1-based): chr5:78,781,874, C>T on the plus strand (G>A on the coding strand, the complement: ARSB is on the minus strand). VCF-style: chr5-78781874-C-T. GRCh37 (hg19) VCF-style: chr5-78077697-C-T.
Other names: short protein forms W438*.
Identifiers: ClinVar variation 2678514 (VCV002678514.4), dbSNP rs2478822503, ClinGen allele CA360339813.

ClinVar aggregate classification (germline): Pathogenic/Likely pathogenic. Review status: criteria provided, multiple submitters, no conflicts (2 of 4 stars). 2 submissions from 2 submitters: Pathogenic (1); Likely pathogenic (1). Last evaluated 2023-06-14.

Conditions:
Mucopolysaccharidosis type 6 (MPS6). Also called: N-ACETYLGALACTOSAMINE-4-SULFATASE DEFICIENCY; MPS VI; ARSB DEFICIENCY; ARYLSULFATASE B DEFICIENCY; MPS 6; Maroteaux Lamy syndrome. Identifiers: Orphanet 583, MedGen C0026709, MONDO:0009661, OMIM 253200.

Submissions (2):

Labcorp Genetics (formerly Invitae), Labcorp
Classification: Pathogenic for Mucopolysaccharidosis type 6. Last evaluated: 2023-06-14. Review status: criteria provided, single submitter. Criteria: Invitae Variant Classification Sherloc (09022015). Collection method: clinical testing. Allele origin: germline.
Comment: This sequence change creates a premature translational stop signal (p.Trp438*) in the ARSB gene. While this is not anticipated to result in nonsense mediated decay, it is expected to disrupt the last 96 amino acid(s) of the ARSB protein. For these reasons, this variant has been classified as Pathogenic. This variant disrupts a region of the ARSB protein in which other variant(s) (p.Cys521Tyr) have been determined to be pathogenic (PMID: 8116615, 10923267, 24373060). This suggests that this is a clinically significant region of the protein, and that variants that disrupt it are likely to be disease-causing. This variant has not been reported in the literature in individuals affected with ARSB-related conditions. This variant is not present in population databases (gnomAD no frequency).

Baylor Genetics
Classification: Likely pathogenic for Mucopolysaccharidosis type 6. Last evaluated: 2023-02-12. Review status: criteria provided, single submitter. Criteria: ACMG Guidelines, 2015. Collection method: clinical testing. Allele origin: unknown.

Literature cited by the submitters: PubMed 8116615 (cited by Labcorp Genetics (formerly Invitae), Labcorp); PubMed 10923267 (cited by Labcorp Genetics (formerly Invitae), Labcorp); PubMed 24373060 (cited by Labcorp Genetics (formerly Invitae), Labcorp).